The following is an entry in ClinVar:

NM_014795.4(ZEB2):c.1879G>A (p.Val627Ile)

Gene: ZEB2 (zinc finger E-box binding homeobox 2; minus strand). Cytogenetic location: 2q22.3.
Variant type: single nucleotide variant.
Coding change: c.1879G>A on transcript NM_014795.4 (MANE Select); coding-DNA position 1879, G replaced by A.
Protein change: p.Val627Ile; replaces valine 627 with isoleucine.
Molecular consequence: missense variant.
Genome position (GRCh38, 1-based): chr2:144,399,308, C>T on the plus strand (G>A on the coding strand, the complement: ZEB2 is on the minus strand). VCF-style: chr2-144399308-C-T. GRCh37 (hg19) VCF-style: chr2-145156875-C-T.
Other names: c.1807G>A, p.Val603Ile (NM_001171653.2); short protein forms V603I, V627I.
Identifiers: ClinVar variation 952294 (VCV000952294.11), dbSNP rs1703275164, ClinGen allele CA348709878.

ClinVar aggregate classification (germline): Conflicting classifications of pathogenicity. Review status: criteria provided, conflicting classifications (1 of 4 stars). 2 submissions from 2 submitters: Uncertain significance (1); Benign (1). Last evaluated 2025-02-20.

Conditions:
Inborn genetic diseases. Identifiers: MedGen C0950123, MeSH D030342.
Mowat-Wilson syndrome (MOWS). Also called: Classic Mowat-Wilson Syndrome. Identifiers: Orphanet 2152, MedGen C1856113, MONDO:0009341, OMIM 235730.

Allele frequency attached by ClinVar (database versions not stated): TOPMed 0.00001.

Submissions (2):

Labcorp Genetics (formerly Invitae), Labcorp
Classification: Benign for Mowat-Wilson syndrome. Last evaluated: 2025-02-20. Review status: criteria provided, single submitter. Criteria: Invitae Variant Classification Sherloc (09022015). Collection method: clinical testing. Allele origin: germline.

Ambry Genetics
Classification: Uncertain significance for Inborn genetic diseases. Last evaluated: 2018-05-14. Review status: criteria provided, single submitter. Criteria: Ambry Variant Classification Scheme 2023. Collection method: clinical testing. Allele origin: germline.
Comment: The p.V627I variant (also known as c.1879G>A), located in coding exon 7 of the ZEB2 gene, results from a G to A substitution at nucleotide position 1879. The valine at codon 627 is replaced by isoleucine, an amino acid with highly similar properties. This amino acid position is not well conserved in available vertebrate species, and isoleucine is the reference amino acid in other vertebrate species. In addition, this alteration is predicted to be tolerated by in silico analysis. Since supporting evidence is limited at this time, the clinical significance of this alteration remains unclear.